The following is an entry in ClinVar:

NM_005257.6(GATA6):c.642C>T (p.Asn214=)

Gene: GATA6 (GATA binding protein 6; plus strand). Cytogenetic location: 18q11.2.
Variant type: single nucleotide variant.
Coding change: c.642C>T on transcript NM_005257.6 (MANE Select); coding-DNA position 642, C replaced by T.
Protein change: p.Asn214=; no amino-acid change (asparagine 214 retained).
Molecular consequence: synonymous variant.
Genome position (GRCh38, 1-based): chr18:22,171,786, C>T. VCF-style: chr18-22171786-C-T. GRCh37 (hg19) VCF-style: chr18-19751747-C-T.
Identifiers: ClinVar variation 3898268 (VCV003898268.9).
Genomic context (GRCh38, chr18:22,171,786, plus strand): 5'-GGGTTCCATGCTGCCCGGCCTACCGTACCACCTGCAGGGGTCGGGCAGTGGGCCAGCCAA[C>T]CACGCGGGCGGCGCGGGCGCGCACCCCGGCTGGCCTCAGGCCTCGGCCGACAGCCCTCCA-3'
Protein context (NP_005248.2, residues 204-224): HLQGSGSGPA[Asn214=]HAGGAGAHPG

ClinVar aggregate classification (germline): Likely benign. Review status: criteria provided, multiple submitters, no conflicts (2 of 4 stars). 3 submissions from 3 submitters: Likely benign (3). Last evaluated 2025-07-20.

Conditions:
Atrioventricular septal defect 5 (AVSD5). Identifiers: MedGen C3280939, MONDO:0013769, OMIM 614474.

Submissions (3):

Labcorp Genetics (formerly Invitae), Labcorp
Classification: Likely benign for Atrioventricular septal defect 5. Last evaluated: 2025-07-20. Review status: criteria provided, single submitter. Criteria: Invitae Variant Classification Sherloc (09022015). Collection method: clinical testing. Allele origin: germline.

CeGaT Center for Human Genetics Tuebingen
Classification: Likely benign. Last evaluated: 2025-04-01. Review status: criteria provided, single submitter. Criteria: CeGaT Center For Human Genetics Tuebingen Variant Classification Criteria Version 2. Collection method: clinical testing. Allele origin: germline. Affected: yes. Observed: 1 variant allele.
Comment: GATA6: BP4, BP7

Blueprint Genetics
Classification: Likely benign. Last evaluated: 2023-06-02. Review status: criteria provided, single submitter. Criteria: ACMG Guidelines, 2015. Collection method: clinical testing. Allele origin: germline.